The following is an entry in ClinVar:

ClinVar aggregate classification (germline): Uncertain significance. Review status: criteria provided, multiple submitters, no conflicts (2 of 4 stars). 3 submissions from 3 submitters: Uncertain significance (3). Last evaluated 2023-12-18.

Conditions:
Primary ciliary dyskinesia 27. Also called: CILIARY DYSKINESIA, PRIMARY, 27, WITHOUT SITUS INVERSUS. Identifiers: Orphanet 244, MedGen C3809701, MONDO:0014215, OMIM 615504.
Inborn genetic diseases. Identifiers: MedGen C0950123, MeSH D030342.

Allele frequency attached by ClinVar (database versions not stated): gnomAD 0.00003 and 0.00004; TOPMed 0.00005.
gnomAD v4.1: 11 of 1,614,080 alleles (0.00068%); highest among the groups gnomAD compares: African/African-American, 0.013%; no homozygotes.

Submissions (3):

Ambry Genetics
Classification: Uncertain significance for Inborn genetic diseases. Last evaluated: 2023-12-18. Review status: criteria provided, single submitter. Criteria: Ambry Variant Classification Scheme 2023. Collection method: clinical testing. Allele origin: germline.

Blueprint Genetics
Classification: Uncertain significance. Last evaluated: 2021-09-23. Review status: criteria provided, single submitter. Criteria: ACMG Guidelines, 2015. Collection method: clinical testing. Allele origin: germline.

Labcorp Genetics (formerly Invitae), Labcorp
Classification: Uncertain significance for Primary ciliary dyskinesia 27. Last evaluated: 2021-08-28. Review status: criteria provided, single submitter. Criteria: Invitae Variant Classification Sherloc (09022015). Collection method: clinical testing. Allele origin: germline.
Comment: This sequence change replaces arginine with leucine at codon 433 of the CCDC65 protein (p.Arg433Leu). The arginine residue is highly conserved and there is a moderate physicochemical difference between arginine and leucine. This variant is present in population databases (rs766802543, ExAC 0.02%). This variant has not been reported in the literature in individuals affected with CCDC65-related conditions. Algorithms developed to predict the effect of missense changes on protein structure and function are either unavailable or do not agree on the potential impact of this missense change (SIFT: "Tolerated"; PolyPhen-2: "Possibly Damaging"; Align-GVGD: "Class C0"). In summary, the available evidence is currently insufficient to determine the role of this variant in disease. Therefore, it has been classified as a Variant of Uncertain Significance.

NM_033124.5(DRC2):c.1298G>T (p.Arg433Leu)

Gene: DRC2 (dynein regulatory complex subunit 2; plus strand). Cytogenetic location: 12q13.12.
Variant type: single nucleotide variant.
Coding change: c.1298G>T on transcript NM_033124.5 (MANE Select); coding-DNA position 1298, G replaced by T.
Protein change: p.Arg433Leu; replaces arginine 433 with leucine.
Molecular consequence: missense variant.
Genome position (GRCh38, 1-based): chr12:48,921,286, G>T. VCF-style: chr12-48921286-G-T. GRCh37 (hg19) VCF-style: chr12-49315069-G-T.
Other names: c.869G>T, p.Arg290Leu (NM_001286957.2); short protein forms R433L, R290L.
Identifiers: ClinVar variation 474635 (VCV000474635.8), dbSNP rs766802543, ClinGen allele CA6543491.